The following is an entry in ClinVar:

ClinVar aggregate classification (germline): Uncertain significance. Review status: criteria provided, multiple submitters, no conflicts (2 of 4 stars). 2 submissions from 2 submitters: Uncertain significance (2). Last evaluated 2024-01-09.

Conditions:
Inborn genetic diseases. Identifiers: MedGen C0950123, MeSH D030342.
Developmental and epileptic encephalopathy, 37 (DEE37). Also called: Epileptic encephalopathy, early infantile, 37. Identifiers: MedGen C4310770, MONDO:0014859, OMIM 616981.

Allele frequency attached by ClinVar (database versions not stated): gnomAD exomes 0.00003; ExAC 0.00005; TOPMed 0.00006; gnomAD 0.00008 and 0.00010.

Submissions (2):

Ambry Genetics
Classification: Uncertain significance for Inborn genetic diseases. Last evaluated: 2024-01-09. Review status: criteria provided, single submitter. Criteria: Ambry Variant Classification Scheme 2023. Collection method: clinical testing. Allele origin: germline.

Labcorp Genetics (formerly Invitae), Labcorp
Classification: Uncertain significance for Developmental and epileptic encephalopathy, 37. Last evaluated: 2022-07-05. Review status: criteria provided, single submitter. Criteria: Invitae Variant Classification Sherloc (09022015). Collection method: clinical testing. Allele origin: germline.
Comment: This sequence change replaces valine, which is neutral and non-polar, with isoleucine, which is neutral and non-polar, at codon 304 of the FRRS1L protein (p.Val304Ile). This variant is present in population databases (rs750592242, gnomAD 0.04%). This variant has not been reported in the literature in individuals affected with FRRS1L-related conditions. ClinVar contains an entry for this variant (Variation ID: 651686). Algorithms developed to predict the effect of missense changes on protein structure and function (SIFT, PolyPhen-2, Align-GVGD) all suggest that this variant is likely to be tolerated. In summary, the available evidence is currently insufficient to determine the role of this variant in disease. Therefore, it has been classified as a Variant of Uncertain Significance.

NM_014334.4(FRRS1L):c.757G>A (p.Val253Ile)

Gene: FRRS1L (ferric chelate reductase 1 like; minus strand). Cytogenetic location: 9q31.3.
Variant type: single nucleotide variant.
Coding change: c.757G>A on transcript NM_014334.4 (MANE Select); coding-DNA position 757, G replaced by A.
Protein change: p.Val253Ile; replaces valine 253 with isoleucine.
Molecular consequence: missense variant.
Genome position (GRCh38, 1-based): chr9:109,137,580, C>T on the plus strand (G>A on the coding strand, the complement: FRRS1L is on the minus strand). VCF-style: chr9-109137580-C-T. GRCh37 (hg19) VCF-style: chr9-111899860-C-T.
Other names: short protein forms V253I.
Identifiers: ClinVar variation 651686 (VCV000651686.9), dbSNP rs750592242, ClinGen allele CA5177318.